The following is an entry in ClinVar:

NM_001042424.3(NSD2):c.2891A>G (p.Glu964Gly)

Gene: NSD2 (nuclear receptor binding SET domain protein 2; plus strand). Cytogenetic location: 4p16.3.
Variant type: single nucleotide variant.
Coding change: c.2891A>G on transcript NM_001042424.3 (MANE Select); coding-DNA position 2891, A replaced by G.
Protein change: p.Glu964Gly; replaces glutamic acid 964 with glycine.
Molecular consequence: missense variant.
Genome position (GRCh38, 1-based): chr4:1,957,942, A>G. VCF-style: chr4-1957942-A-G. GRCh37 (hg19) VCF-style: chr4-1959669-A-G.
Other names: c.2891A>G, p.Glu964Gly (NM_001440892.1, NM_001440894.1, NM_001440895.1 and 3 more transcripts); c.2990A>G, p.Glu997Gly (NM_001440893.1); c.2690A>G, p.Glu897Gly (NM_001440896.1); c.2684A>G, p.Glu895Gly (NM_001440897.1, NM_001440898.1); c.1922A>G, p.Glu641Gly (NM_001440899.1, NM_001440900.1); short protein forms E641G, E895G, E897G, E964G, E997G.
Identifiers: ClinVar variation 4880831 (VCV004880831.2).

ClinVar aggregate classification (germline): Uncertain significance (1 of 4 stars; one submission).

Submission:

Dasa
Classification: Uncertain significance. Last evaluated: 2025-06-23. Review status: criteria provided, single submitter. Criteria: DASA Assertion Criteria. Collection method: clinical testing. Allele origin: germline.
Comment: NM_001042424.3(NSD2):c.2891A>G (p.Glu964Gly) is a missense variant that results in the substitution of glutamic acid with glycine. This variant is absent from population databases. The currently available literature and clinical evidence are not sufficient to establish a definitive association between this variant and the reported condition. Therefore, this variant is classified as a variant of uncertain significance.